The following is an entry in ClinVar:

NM_000878.5(IL2RB):c.674A>G (p.Gln225Arg)

Gene: IL2RB (interleukin 2 receptor subunit beta; minus strand). Cytogenetic location: 22q12.3.
Variant type: single nucleotide variant.
Coding change: c.674A>G on transcript NM_000878.5 (MANE Select); coding-DNA position 674, A replaced by G.
Protein change: p.Gln225Arg; replaces glutamine 225 with arginine.
Molecular consequence: missense variant.
Genome position (GRCh38, 1-based): chr22:37,136,257, T>C on the plus strand (A>G on the coding strand, the complement: IL2RB is on the minus strand). VCF-style: chr22-37136257-T-C. GRCh37 (hg19) VCF-style: chr22-37532297-T-C.
Other names: c.674A>G, p.Gln225Arg (NM_001346222.1, NM_001346223.2); short protein forms Q225R.
Identifiers: ClinVar variation 2008624 (VCV002008624.4), dbSNP rs2517838623, ClinGen allele CA411427232.

ClinVar aggregate classification (germline): Uncertain significance (1 of 4 stars; one submission).

Submission:

Labcorp Genetics (formerly Invitae), Labcorp
Classification: Uncertain significance. Last evaluated: 2024-10-22. Review status: criteria provided, single submitter. Criteria: Invitae Variant Classification Sherloc (09022015). Collection method: clinical testing. Allele origin: germline.
Comment: This sequence change replaces glutamine, which is neutral and polar, with arginine, which is basic and polar, at codon 225 of the IL2RB protein (p.Gln225Arg). This variant is not present in population databases (gnomAD no frequency). This variant has not been reported in the literature in individuals affected with IL2RB-related conditions. ClinVar contains an entry for this variant (Variation ID: 2008624). An algorithm developed to predict the effect of missense changes on protein structure and function outputs the following: PolyPhen-2: "Benign". The arginine amino acid residue is found in multiple mammalian species, which suggests that this missense change does not adversely affect protein function. In summary, the available evidence is currently insufficient to determine the role of this variant in disease. Therefore, it has been classified as a Variant of Uncertain Significance.